The following is an entry in ClinVar:

ClinVar aggregate classification (germline): Uncertain significance (1 of 4 stars; one submission).

Conditions:
Cardiovascular phenotype. Identifiers: MedGen CN230736.
Hereditary cancer-predisposing syndrome. Also called: Neoplastic Syndromes, Hereditary; Tumor predisposition; Hereditary Cancer Syndrome; Hereditary neoplastic syndrome. Identifiers: Orphanet 140162, MedGen C0027672, MeSH D009386, MONDO:0015356.

Submission:

Ambry Genetics
Classification: Uncertain significance for Cardiovascular phenotype; Hereditary cancer-predisposing syndrome. Last evaluated: 2025-10-07. Review status: criteria provided, single submitter. Criteria: Ambry Variant Classification Scheme 2023. Collection method: clinical testing. Allele origin: germline.
Comment: The p.G2772V variant (also known as c.8315G>T) is located in coding exon 57 of the NF1 gene. The glycine at codon 2772 is replaced by valine, an amino acid with dissimilar properties. This change occurs in the first base pair of coding exon 57. This amino acid position is conserved. In addition, the in silico prediction for this alteration is inconclusive. Based on the available evidence, the clinical significance of this variant remains unclear.

NM_001042492.3(NF1):c.8378G>T (p.Gly2793Val)

Gene: NF1 (neurofibromin 1; plus strand). Cytogenetic location: 17q11.2.
Variant type: single nucleotide variant.
Coding change: c.8378G>T on transcript NM_001042492.3 (MANE Select); coding-DNA position 8378, G replaced by T.
Protein change: p.Gly2793Val; replaces glycine 2793 with valine.
Molecular consequence: missense variant.
Genome position (GRCh38, 1-based): chr17:31,374,013, G>T. VCF-style: chr17-31374013-G-T. GRCh37 (hg19) VCF-style: chr17-29701031-G-T.
Other names: c.8315G>T, p.Gly2772Val (NM_000267.4); short protein forms G2772V, G2793V.
Identifiers: ClinVar variation 4615751 (VCV004615751.1).